The following is an entry in ClinVar:

ClinVar aggregate classification (germline): Uncertain significance (1 of 4 stars; one submission).

Allele frequency attached by ClinVar (database versions not stated): TOPMed below 0.00001.

Submission:

Labcorp Genetics (formerly Invitae), Labcorp
Classification: Uncertain significance. Last evaluated: 2021-03-29. Review status: criteria provided, single submitter. Criteria: Invitae Variant Classification Sherloc (09022015). Collection method: clinical testing. Allele origin: germline.
Comment: In summary, the available evidence is currently insufficient to determine the role of this variant in disease. Therefore, it has been classified as a Variant of Uncertain Significance. Advanced modeling of protein sequence and biophysical properties (such as structural, functional, and spatial information, amino acid conservation, physicochemical variation, residue mobility, and thermodynamic stability) performed at Invitae indicates that this missense variant is not expected to disrupt NEFH protein function. This variant has not been reported in the literature in individuals with NEFH-related conditions. The frequency data for this variant in the population databases is considered unreliable, as metrics indicate insufficient coverage at this position in the ExAC database. This sequence change replaces valine with methionine at codon 214 of the NEFH protein (p.Val214Met). The valine residue is moderately conserved and there is a small physicochemical difference between valine and methionine.

NM_021076.4(NEFH):c.640G>A (p.Val214Met)

Gene: NEFH (neurofilament heavy chain; plus strand). Cytogenetic location: 22q12.2.
Variant type: single nucleotide variant.
Coding change: c.640G>A on transcript NM_021076.4 (MANE Select); coding-DNA position 640, G replaced by A.
Protein change: p.Val214Met; replaces valine 214 with methionine.
Molecular consequence: missense variant.
Genome position (GRCh38, 1-based): chr22:29,480,902, G>A. VCF-style: chr22-29480902-G-A. GRCh37 (hg19) VCF-style: chr22-29876891-G-A.
Other names: short protein forms V214M.
Identifiers: ClinVar variation 1521131 (VCV001521131.8), dbSNP rs1393330476, ClinGen allele CA411123513.